The following is an entry in ClinVar:

ClinVar aggregate classification (germline): Likely pathogenic (1 of 4 stars; one submission).

Conditions:
Deficiency of beta-ureidopropionase (UPB1D). Also called: Beta-ureidopropionase deficiency. Identifiers: Orphanet 65287, MedGen C1291512, MONDO:0013164, OMIM 613161.

Submission:

OLLIN Analises Genomicas, OLLIN
Classification: Likely pathogenic for Deficiency of beta-ureidopropionase. Last evaluated: 2026-08-06. Review status: criteria provided, single submitter. Criteria: ACMG Guidelines 2015 PMID 25741868. Collection method: clinical testing. Allele origin: germline. Inheritance: Autosomal recessive inheritance.
Comment: This frameshift variant, located in exon 2 (of 10), has been observed in gnomAD with an allele frequency of 0.00031%, but has not been reported in ClinVar or identified in the literature. This variant causes a frameshift and introduces a premature stop codon, which is predicted to result in either a truncated protein or degradation of the mRNA via nonsense-mediated decay (NMD). According to the currently available evidence, this variant has been classified as likely pathogenic (PVS1, PM2_P).

NM_016327.3(UPB1):c.263dup (p.Val89fs)

Gene: UPB1 (beta-ureidopropionase 1; plus strand). Cytogenetic location: 22q11.23.
Variant type: Duplication.
Coding change: c.263dup on transcript NM_016327.3 (MANE Select); coding-DNA position 263, one base duplicated (C; older notation c.263dupC).
Protein change: p.Val89fs; shifts the reading frame from valine 89.
Molecular consequence: frameshift variant.
Genome position (GRCh38, 1-based): chr22:24,500,265, C duplicated; the last of 4 consecutive C bases (chr22:24,500,262-24,500,265); duplicating any one gives the same sequence. VCF-style (leftmost placement, unchanged base first): chr22-24500261-G-GC. GRCh37 (hg19) VCF-style: chr22-24896229-G-GC.
Other names: short protein forms V89fs.
Identifiers: ClinVar variation 5002725 (VCV005002725.1).
Genomic context (GRCh38, chr22:24,500,261, plus strand): 5'-AGACGACCCCGCATTGTGCACGTGGGGCTGGTTCAGAACAGAATCCCCCTCCCCGCAAAT[G>GC]CCCCTGTGGCAGAACAGGTGCAGACTCTTTTGACCATAATAAATACACAAACAGGGTTGT-3'